The following is an entry in ClinVar:

ClinVar aggregate classification (germline): Likely pathogenic (1 of 4 stars; one submission).

Conditions:
Cohen syndrome (COH1). Also called: PEPPER SYNDROME; Cutis verticis gyrata, retinitis pigmentosa, and sensorineural deafness. Identifiers: Orphanet 193, MedGen C0265223, MONDO:0008999, OMIM 216550.

Submission:

Natera, Inc.
Classification: Likely pathogenic for Cohen syndrome. Last evaluated: 2025-12-02. Review status: criteria provided, single submitter. Criteria: Natera Variant Classification Schema (03/2026). Collection method: clinical testing. Allele origin: germline.
Comment: The c.11184delinsACATGA variant in VPS13B is a frameshift variant predicted to shift the reading frame beginning at codon 3729 and leads to a stop codon 43 codons downstream. This variant is expected to result in nonsense mediated decay, truncation, or a dysfunctional protein product. This variant is rare in the general population with a frequency below the threshold expected for the associated phenotype(s). Given the available evidence, this variant is classified as Likely Pathogenic.

NM_152564.5(VPS13B):c.11109delinsACATGA (p.Asp3704fs)

Gene: VPS13B (vacuolar protein sorting 13 homolog B; plus strand). Cytogenetic location: 8q22.2.
Variant type: Indel.
Coding change: c.11109delinsACATGA on transcript NM_152564.5 (MANE Select); coding-DNA position 11109, G replaced by ACATGA.
Protein change: p.Asp3704fs; shifts the reading frame from aspartic acid 3704.
Molecular consequence: frameshift variant.
Genome position (GRCh38, 1-based): chr8:99,861,840, G replaced by ACATGA. VCF-style: chr8-99861840-G-ACATGA. GRCh37 (hg19) VCF-style: chr8-100874068-G-ACATGA.
Other names: c.11184delGinsACATGA, p.Asp3729Hisfs (NM_017890.4); c.11184delinsACATGA, p.Asp3729fs (NM_017890.5); short protein forms D3704fs, D3729fs.
Identifiers: ClinVar variation 4815926 (VCV004815926.1).